The following is an entry in ClinVar:

NM_000092.5(COL4A4):c.1857C>G (p.Gly619=)

Gene: COL4A4 (collagen type IV alpha 4 chain; minus strand). Cytogenetic location: 2q36.3.
Variant type: single nucleotide variant.
Coding change: c.1857C>G on transcript NM_000092.5 (MANE Select); coding-DNA position 1857, C replaced by G.
Protein change: p.Gly619=; no amino-acid change (glycine 619 retained).
Molecular consequence: synonymous variant.
Genome position (GRCh38, 1-based): chr2:227,078,024, G>C on the plus strand (C>G on the coding strand, the complement: COL4A4 is on the minus strand). VCF-style: chr2-227078024-G-C. GRCh37 (hg19) VCF-style: chr2-227942740-G-C.
Identifiers: ClinVar variation 735696 (VCV000735696.11), dbSNP rs766619245, ClinGen allele CA2145030.

ClinVar aggregate classification (germline): Likely benign. Review status: criteria provided, multiple submitters, no conflicts (2 of 4 stars). 2 submissions from 2 submitters: Likely benign (2). Last evaluated 2026-02-06.

Conditions:
COL4A4-related disorder.

Allele frequency attached by ClinVar (database versions not stated): TOPMed 0.00001.
gnomAD v4.1: 24 of 1,613,846 alleles (0.0015%); highest among the groups gnomAD compares: Middle Eastern, 0.016%; no homozygotes.

Submissions (2):

PreventionGenetics, part of Exact Sciences
Classification: Likely benign for COL4A4-related condition. Last evaluated: 2026-02-06. Review status: criteria provided, single submitter. Criteria: ACMG Guidelines, 2015. Collection method: clinical testing. Allele origin: germline.
Comment: This variant is classified as likely benign based on ACMG/AMP sequence variant interpretation guidelines (Richards et al. 2015 PMID: 25741868, with internal and published modifications).

Labcorp Genetics (formerly Invitae), Labcorp
Classification: Likely benign. Last evaluated: 2023-06-20. Review status: criteria provided, single submitter. Criteria: Invitae Variant Classification Sherloc (09022015). Collection method: clinical testing. Allele origin: germline.